The following is an entry in ClinVar:

NM_005228.5(EGFR):c.2699A>T (p.Tyr900Phe)

Gene: EGFR (epidermal growth factor receptor; plus strand). Cytogenetic location: 7p11.2.
Variant type: single nucleotide variant.
Coding change: c.2699A>T on transcript NM_005228.5 (MANE Select); coding-DNA position 2699, A replaced by T.
Protein change: p.Tyr900Phe; replaces tyrosine 900 with phenylalanine.
Molecular consequence: missense variant.
Genome position (GRCh38, 1-based): chr7:55,192,839, A>T. VCF-style: chr7-55192839-A-T. GRCh37 (hg19) VCF-style: chr7-55260532-A-T.
Other names: c.2699A>T, p.Tyr900Phe (NM_001346898.2); c.2564A>T, p.Tyr855Phe (NM_001346899.2, NM_001346897.2); c.2540A>T, p.Tyr847Phe (NM_001346900.2); c.1898A>T, p.Tyr633Phe (NM_001346941.2); c.2699A>T (NM_005228.4); short protein forms Y900F, Y633F, Y847F, Y855F.
Identifiers: ClinVar variation 3715194 (VCV003715194.5).
Genomic context (GRCh38, chr7:55,192,839, plus strand): 5'-GGATGGCATTGGAATCAATTTTACACAGAATCTATACCCACCAGAGTGATGTCTGGAGCT[A>T]CGGTGAGTCATAATCCTGATGCTAATGAGTTTGTACTGAGGCCAAGCTGGCTTTTATTGT-3'
Protein context (NP_005219.2, residues 890-910): IYTHQSDVWS[Tyr900Phe]GVTVWELMTF

ClinVar aggregate classification (germline): Uncertain significance. Review status: criteria provided, multiple submitters, no conflicts (2 of 4 stars). 4 submissions from 4 submitters: Uncertain significance (4). Last evaluated 2026-02-11.

Conditions:
Hereditary cancer-predisposing syndrome. Also called: Hereditary Cancer Syndrome; Neoplastic Syndromes, Hereditary; Tumor predisposition; Hereditary neoplastic syndrome. Identifiers: Orphanet 140162, MedGen C0027672, MeSH D009386, MONDO:0015356.
EGFR-related lung cancer (EGFR). Identifiers: MedGen CN130014.

gnomAD v4.1: 1 of 1,614,134 alleles (0.000062%); highest among the groups gnomAD compares: Middle Eastern, 0.016%; no homozygotes.

Submissions (4):

Ambry Genetics
Classification: Uncertain significance for Hereditary cancer-predisposing syndrome. Last evaluated: 2026-02-11. Review status: criteria provided, single submitter. Criteria: Ambry Variant Classification Scheme 2023. Collection method: clinical testing. Allele origin: germline.
Comment: The p.Y900F variant (also known as c.2699A>T), located in coding exon 22 of the EGFR gene, results from an A to T substitution at nucleotide position 2699. The tyrosine at codon 900 is replaced by phenylalanine, an amino acid with highly similar properties. This amino acid position is highly conserved in available vertebrate species. In addition, the in silico prediction for this alteration is inconclusive. Based on the available evidence, the clinical significance of this variant remains unclear.

Quest Diagnostics Nichols Institute San Juan Capistrano
Classification: Uncertain significance. Last evaluated: 2025-05-28. Review status: criteria provided, single submitter. Criteria: Quest Diagnostics criteria. Collection method: clinical testing. Allele origin: unknown.
Comment: The EGFR c.2699A>T (p.Tyr900Phe) variant has not been reported in individuals with EGFR-related conditions in the published literature. It also has not been reported in large, multi-ethnic general populations (Genome Aggregation Database). Analysis of this variant using bioinformatics tools for the prediction of the effect of amino acid changes on protein structure and function yielded predictions that this variant is damaging. Based on the available information, we are unable to determine the clinical significance of this variant.

Revvity Omics, Revvity
Classification: Uncertain significance. Last evaluated: 2024-07-23. Review status: criteria provided, single submitter. Criteria: ACMG Guidelines, 2015. Collection method: clinical testing. Allele origin: germline.

Labcorp Genetics (formerly Invitae), Labcorp
Classification: Uncertain significance for EGFR-related lung cancer. Last evaluated: 2024-07-11. Review status: criteria provided, single submitter. Criteria: Invitae Variant Classification Sherloc (09022015). Collection method: clinical testing. Allele origin: germline.
Comment: This sequence change replaces tyrosine, which is neutral and polar, with phenylalanine, which is neutral and non-polar, at codon 900 of the EGFR protein (p.Tyr900Phe). This variant is not present in population databases (gnomAD no frequency). This variant has not been reported in the literature in individuals affected with EGFR-related conditions. An algorithm developed to predict the effect of missense changes on protein structure and function (PolyPhen-2) suggests that this variant is likely to be disruptive. In summary, the available evidence is currently insufficient to determine the role of this variant in disease. Therefore, it has been classified as a Variant of Uncertain Significance.